The following is an entry in ClinVar:

ClinVar aggregate classification (germline): Likely benign (1 of 4 stars; one submission).

Allele frequency attached by ClinVar (database versions not stated): gnomAD exomes below 0.00001; gnomAD 0.00001; TOPMed 0.00001.
gnomAD v4.1: 4 of 1,613,982 alleles (0.00025%); highest among the groups gnomAD compares: African/African-American, 0.0013%; no homozygotes.

Submission:

CeGaT Center for Human Genetics Tuebingen
Classification: Likely benign. Last evaluated: 2023-01-01. Review status: criteria provided, single submitter. Criteria: CeGaT Center For Human Genetics Tuebingen Variant Classification Criteria Version 2. Collection method: clinical testing. Allele origin: germline. Affected: yes. Observed: 1 variant allele.
Comment: TRIO: BP4, BP7

NM_007118.4(TRIO):c.9090C>T (p.Leu3030=)

Gene: TRIO (trio Rho guanine nucleotide exchange factor; plus strand). Cytogenetic location: 5p15.2.
Variant type: single nucleotide variant.
Coding change: c.9090C>T on transcript NM_007118.4 (MANE Select); coding-DNA position 9090, C replaced by T.
Protein change: p.Leu3030=; no amino-acid change (leucine 3030 retained).
Molecular consequence: synonymous variant. On other transcripts: non-coding transcript variant (1).
Genome position (GRCh38, 1-based): chr5:14,508,218, C>T. VCF-style: chr5-14508218-C-T. GRCh37 (hg19) VCF-style: chr5-14508327-C-T.
Identifiers: ClinVar variation 2655363 (VCV002655363.24), dbSNP rs1414001942, ClinGen allele CA443537873.